The following is an entry in ClinVar:

ClinVar aggregate classification (germline): Uncertain significance. Review status: criteria provided, multiple submitters, no conflicts (2 of 4 stars). 2 submissions from 2 submitters: Uncertain significance (2). Last evaluated 2025-03-28.

Conditions:
Pancreatic adenocarcinoma. Identifiers: MedGen C0281361, MONDO:0006047, HP:0006725.

gnomAD v4.1: 2 of 1,501,588 alleles (0.00013%); highest among the groups gnomAD compares: Non-Finnish European, 0.00018%; no homozygotes.

Submissions (2):

Ambry Genetics
Classification: Uncertain significance. Last evaluated: 2025-03-28. Review status: criteria provided, single submitter. Criteria: Ambry Variant Classification Scheme 2023. Collection method: clinical testing. Allele origin: germline.
Comment: The p.A21V variant (also known as c.62C>T), located in coding exon 1 of the PALLD gene, results from a C to T substitution at nucleotide position 62. The alanine at codon 21 is replaced by valine, an amino acid with similar properties. This amino acid position is conserved. In addition, this alteration is predicted to be tolerated by in silico analysis. Based on the available evidence, the clinical significance of this variant remains unclear.

Labcorp Genetics (formerly Invitae), Labcorp
Classification: Uncertain significance for Pancreatic adenocarcinoma. Last evaluated: 2024-02-18. Review status: criteria provided, single submitter. Criteria: Invitae Variant Classification Sherloc (09022015). Collection method: clinical testing. Allele origin: germline.
Comment: This sequence change replaces alanine, which is neutral and non-polar, with valine, which is neutral and non-polar, at codon 21 of the PALLD protein (p.Ala21Val). This variant is not present in population databases (gnomAD no frequency). This variant has not been reported in the literature in individuals affected with PALLD-related conditions. An algorithm developed to predict the effect of missense changes on protein structure and function (PolyPhen-2) suggests that this variant is likely to be tolerated. In summary, the available evidence is currently insufficient to determine the role of this variant in disease. Therefore, it has been classified as a Variant of Uncertain Significance.

NM_001166108.2(PALLD):c.1965-12969C>T

Gene: PALLD (palladin, cytoskeletal associated protein; plus strand). Cytogenetic location: 4q32.3.
Variant type: single nucleotide variant.
Coding change: c.1965-12969C>T on transcript NM_001166108.2 (MANE Select); 12969 bases into the intron before coding-DNA position 1965, C replaced by T.
Molecular consequence: intron variant. On other transcripts: missense variant (1).
Genome position (GRCh38, 1-based): chr4:168,877,953, C>T. VCF-style: chr4-168877953-C-T. GRCh37 (hg19) VCF-style: chr4-169799104-C-T.
Other names: c.62C>T (NM_001166110.1); c.62C>T, p.Ala21Val (NM_001166110.2); c.1965-12969C>T (NM_016081.4); c.819-12969C>T (NM_001166109.2); c.-157-12969C>T (NM_001367570.1, NM_001367568.1, NM_001367567.1 and 1 more transcripts); short protein forms A21V.
Identifiers: ClinVar variation 3704903 (VCV003704903.3).
Genomic context (GRCh38, chr4:168,877,953, plus strand): 5'-TGAGCGCGCTGGCCTCCCGCTCCGCCCCCGCCATGCAGTCCTCCGGCTCCTTCAACTACG[C>T]GCGCCCCAAGCAGTTCATCGCCGCGCAGAACCTCGGGCCCGCGTCGGGCCACGGCACGCC-3'